The following is an entry in ClinVar:

NM_005138.3(SCO2):c.118A>G (p.Arg40Gly)

Genes: NCAPH2 (non-SMC condensin II complex subunit H2; plus strand), SCO2 (synthesis of cytochrome C oxidase 2; minus strand). Cytogenetic location: 22q13.33.
Variant type: single nucleotide variant.
Coding change: c.118A>G on transcript NM_005138.3 (MANE Select); coding-DNA position 118, A replaced by G.
Protein change: p.Arg40Gly; replaces arginine 40 with glycine.
Molecular consequence: missense variant. On other transcripts: 3 prime UTR variant (2).
Genome position (GRCh38, 1-based): chr22:50,524,294, T>C on the plus strand (A>G on the coding strand, the complement: SCO2 is on the minus strand). VCF-style: chr22-50524294-T-C. GRCh37 (hg19) VCF-style: chr22-50962723-T-C.
Other names: c.*919T>C (NM_001185011.2, NM_152299.4); c.118A>G, p.Arg40Gly (NM_001169109.2, NM_001169110.1, NM_001169111.2); short protein forms R40G.
Identifiers: ClinVar variation 1477059 (VCV001477059.4), dbSNP rs2148672317, ClinGen allele CA412194168.

ClinVar aggregate classification (germline): Uncertain significance (1 of 4 stars; one submission).

Submission:

Labcorp Genetics (formerly Invitae), Labcorp
Classification: Uncertain significance. Last evaluated: 2021-09-10. Review status: criteria provided, single submitter. Criteria: Invitae Variant Classification Sherloc (09022015). Collection method: clinical testing. Allele origin: germline.
Comment: In summary, the available evidence is currently insufficient to determine the role of this variant in disease. Therefore, it has been classified as a Variant of Uncertain Significance. Algorithms developed to predict the effect of sequence changes on RNA splicing suggest that this variant may create or strengthen a splice site. Algorithms developed to predict the effect of missense changes on protein structure and function output the following: SIFT: "Tolerated"; PolyPhen-2: "Benign"; Align-GVGD: "Class C0". The glycine amino acid residue is found in multiple mammalian species, which suggests that this missense change does not adversely affect protein function. This variant has not been reported in the literature in individuals affected with SCO2-related conditions. This variant is not present in population databases (ExAC no frequency). This sequence change replaces arginine with glycine at codon 40 of the SCO2 protein (p.Arg40Gly). The arginine residue is weakly conserved and there is a moderate physicochemical difference between arginine and glycine.